The following is an entry in ClinVar:

ClinVar aggregate classification (germline): Uncertain significance (1 of 4 stars; one submission).

Conditions:
Hereditary pancreatitis (PCTT). Also called: Hereditary chronic pancreatitis; PRSS1-Related Hereditary Pancreatitis. Identifiers: Orphanet 676, MedGen C0238339, MONDO:0008185, OMIM 167800.

Submission:

Ambry Genetics
Classification: Uncertain significance for Hereditary pancreatitis. Last evaluated: 2025-10-01. Review status: criteria provided, single submitter. Criteria: Ambry Variant Classification Scheme 2023. Collection method: clinical testing. Allele origin: germline.
Comment: The p.G207V variant (also known as c.620G>T), located in coding exon 6 of the CTRC gene, results from a G to T substitution at nucleotide position 620. The glycine at codon 207 is replaced by valine, an amino acid with dissimilar properties. This amino acid position is conserved. In addition, this alteration is predicted to be deleterious by in silico analysis. Based on the available evidence, the clinical significance of this variant remains unclear.

NM_007272.3(CTRC):c.620G>T (p.Gly207Val)

Gene: CTRC (chymotrypsin C; plus strand). Cytogenetic location: 1p36.21.
Variant type: single nucleotide variant.
Coding change: c.620G>T on transcript NM_007272.3 (MANE Select); coding-DNA position 620, G replaced by T.
Protein change: p.Gly207Val; replaces glycine 207 with valine.
Molecular consequence: missense variant.
Genome position (GRCh38, 1-based): chr1:15,444,732, G>T. VCF-style: chr1-15444732-G-T. GRCh37 (hg19) VCF-style: chr1-15771227-G-T.
Other names: short protein forms G207V.
Identifiers: ClinVar variation 4560154 (VCV004560154.1).